The following is an entry in ClinVar:

ClinVar aggregate classification (germline): Benign (3 of 4 stars; one submission).

Conditions:
Breast-ovarian cancer, familial, susceptibility to, 1 (BROVCA1). Also called: BRCA1 Hereditary Breast and Ovarian Cancer; OVARIAN CANCER, SUSCEPTIBILITY TO. Identifiers: Orphanet 145, MedGen C2676676, MONDO:0011450, OMIM 604370. Disease mechanism: loss of function.

Allele frequency attached by ClinVar (database versions not stated): 1000 Genomes Project 30x 0.00999; 1000 Genomes Project 0.01018; gnomAD 0.01024 and 0.01097; TOPMed 0.01081.
gnomAD v4.1: 1,541 of 152,308 alleles (1%); highest among the groups gnomAD compares: African/African-American, 3.6%; 35 homozygotes.

Submission:

Evidence-based Network for the Interpretation of Germline Mutant Alleles (ENIGMA)
Classification: Benign for Breast-ovarian cancer, familial 1. Last evaluated: 2015-01-12. Review status: reviewed by expert panel. Criteria: ENIGMA BRCA1/2 Classification Criteria (2015). Collection method: curation. Allele origin: germline.
Comment: Class 1 not pathogenic based on frequency >1% in an outbred sampleset. Frequency 0.04878 (African), derived from 1000 genomes (2012-04-30).

NM_007294.4(BRCA1):c.4987-1466G>A

Gene: BRCA1 (BRCA1 DNA repair associated; minus strand). Cytogenetic location: 17q21.31.
Variant type: single nucleotide variant.
Coding change: c.4987-1466G>A on transcript NM_007294.4 (MANE Select); 1466 bases into the intron before coding-DNA position 4987, G replaced by A.
Molecular consequence: intron variant.
Genome position (GRCh38, 1-based): chr17:43,069,161, C>T on the plus strand (G>A on the coding strand, the complement: BRCA1 is on the minus strand). VCF-style: chr17-43069161-C-T. GRCh37 (hg19) VCF-style: chr17-41221178-C-T.
Other names: IVS 16-1466G>A; c.1534-1466G>A (NM_001408458.1, NM_001408461.1, NM_001408464.1 and 7 more transcripts); c.4096-1466G>A (NM_001407967.1); c.4606-1466G>A (NM_001407959.1); c.4720-1466G>A (NM_001407931.1, NM_001407932.1, NM_001407928.1 and 4 more transcripts); c.4843-1466G>A (NM_001407747.1, NM_001407745.1, NM_001407737.1 and 21 more transcripts); c.4603-1466G>A (NM_001407962.1, NM_001407960.1); c.1174-1466G>A (NM_001408512.1); and 72 more.
Identifiers: ClinVar variation 209354 (VCV000209354.2), dbSNP rs8176226, ClinGen allele CA276326.